The following is an entry in ClinVar:

NM_001366385.1(CARD14):c.1118G>C (p.Arg373Thr)

Gene: CARD14 (caspase recruitment domain family member 14; plus strand). Cytogenetic location: 17q25.3.
Variant type: single nucleotide variant.
Coding change: c.1118G>C on transcript NM_001366385.1 (MANE Select); coding-DNA position 1118, G replaced by C.
Protein change: p.Arg373Thr; replaces arginine 373 with threonine.
Molecular consequence: missense variant. On other transcripts: non-coding transcript variant (1).
Genome position (GRCh38, 1-based): chr17:80,191,351, G>C. VCF-style: chr17-80191351-G-C. GRCh37 (hg19) VCF-style: chr17-78165150-G-C.
Other names: c.1118G>C, p.Arg373Thr (NM_001257970.1, NM_024110.4); c.407G>C, p.Arg136Thr (NM_052819.3); short protein forms R136T, R373T.
Identifiers: ClinVar variation 3749886 (VCV003749886.2).
Genomic context (GRCh38, chr17:80,191,351, plus strand): 5'-CGCGGCCTCCTTACTCCCGTCGTGGCCCACAGGCGTACTCCGCGAGGGACAGTGCTCAGA[G>C]GGAGATTTCCCAGAGCCTGGTGGAGAAGGACTCCCTCCGCAGGCAGGTGTTCGAGCTGAC-3'
Protein context (NP_001353314.1, residues 363-383): QAYSARDSAQ[Arg373Thr]EISQSLVEKD

ClinVar aggregate classification (germline): Uncertain significance (1 of 4 stars; one submission).

Conditions:
Pityriasis rubra pilaris (PRP). Also called: Pityriasis rubra pilaris--familial type. Identifiers: Orphanet 2897, MedGen C0032027, MONDO:0100017, OMIM 173200, MONDO:0008251.
Psoriasis 2. Identifiers: MedGen C1864497, MONDO:0011269, OMIM 602723.

Submission:

Labcorp Genetics (formerly Invitae), Labcorp
Classification: Uncertain significance for Pityriasis rubra pilaris; Psoriasis 2. Last evaluated: 2024-08-08. Review status: criteria provided, single submitter. Criteria: Invitae Variant Classification Sherloc (09022015). Collection method: clinical testing. Allele origin: germline.
Comment: This sequence change replaces arginine, which is basic and polar, with threonine, which is neutral and polar, at codon 373 of the CARD14 protein (p.Arg373Thr). This variant is present in population databases (rs756736748, gnomAD 0.0009%). This variant has not been reported in the literature in individuals affected with CARD14-related conditions. Advanced modeling of protein sequence and biophysical properties (such as structural, functional, and spatial information, amino acid conservation, physicochemical variation, residue mobility, and thermodynamic stability) performed at Invitae indicates that this missense variant is not expected to disrupt CARD14 protein function with a negative predictive value of 80%. In summary, the available evidence is currently insufficient to determine the role of this variant in disease. Therefore, it has been classified as a Variant of Uncertain Significance.